The following is an entry in ClinVar:

ClinVar aggregate classification (germline): Uncertain significance. Review status: criteria provided, multiple submitters, no conflicts (2 of 4 stars). 2 submissions from 2 submitters: Uncertain significance (2). Last evaluated 2025-08-22.

Conditions:
EGFR-related lung cancer (EGFR). Identifiers: MedGen CN130014.
Hereditary cancer-predisposing syndrome. Also called: Hereditary Cancer Syndrome; Neoplastic Syndromes, Hereditary; Tumor predisposition; Hereditary neoplastic syndrome. Identifiers: Orphanet 140162, MedGen C0027672, MeSH D009386, MONDO:0015356.

Allele frequency attached by ClinVar (database versions not stated): gnomAD exomes below 0.00001; TOPMed below 0.00001; ExAC 0.00001; ESP Exome Variant Server 0.00008.

Submissions (2):

Ambry Genetics
Classification: Uncertain significance for Hereditary cancer-predisposing syndrome. Last evaluated: 2025-08-22. Review status: criteria provided, single submitter. Criteria: Ambry Variant Classification Scheme 2023. Collection method: clinical testing. Allele origin: germline.
Comment: The p.T81A variant (also known as c.241A>G) is located in coding exon 3 of the EGFR gene. The threonine at codon 81 is replaced by alanine, an amino acid with similar properties. This change occurs in the first base pair of coding exon 3. This amino acid position is conserved. In addition, the in silico prediction for this alteration is inconclusive. Based on the available evidence, the clinical significance of this variant remains unclear.

Labcorp Genetics (formerly Invitae), Labcorp
Classification: Uncertain significance for EGFR-related lung cancer. Last evaluated: 2025-05-15. Review status: criteria provided, single submitter. Criteria: Invitae Variant Classification Sherloc (09022015). Collection method: clinical testing. Allele origin: germline.
Comment: This sequence change replaces threonine, which is neutral and polar, with alanine, which is neutral and non-polar, at codon 81 of the EGFR protein (p.Thr81Ala). This variant is present in population databases (rs374986786, gnomAD 0.007%). This variant has not been reported in the literature in individuals affected with EGFR-related conditions. ClinVar contains an entry for this variant (Variation ID: 1022110). An algorithm developed to predict the effect of missense changes on protein structure and function (PolyPhen-2) suggests that this variant is likely to be tolerated. In summary, the available evidence is currently insufficient to determine the role of this variant in disease. Therefore, it has been classified as a Variant of Uncertain Significance.

NM_005228.5(EGFR):c.241A>G (p.Thr81Ala)

Gene: EGFR (epidermal growth factor receptor; plus strand). Cytogenetic location: 7p11.2.
Variant type: single nucleotide variant.
Coding change: c.241A>G on transcript NM_005228.5 (MANE Select); coding-DNA position 241, A replaced by G.
Protein change: p.Thr81Ala; replaces threonine 81 with alanine.
Molecular consequence: missense variant. On other transcripts: intron variant (1).
Genome position (GRCh38, 1-based): chr7:55,143,305, A>G. VCF-style: chr7-55143305-A-G. GRCh37 (hg19) VCF-style: chr7-55210998-A-G.
Other names: c.241A>G, p.Thr81Ala (NM_001346897.2, NM_001346898.2, NM_001346899.2 and 3 more transcripts); c.82A>G, p.Thr28Ala (NM_001346900.2); c.89-12525A>G (NM_001346941.2); c.241A>G (NM_005228.3); short protein forms T28A, T81A.
Identifiers: ClinVar variation 1022110 (VCV001022110.7), dbSNP rs374986786, ClinGen allele CA4265166.
Genomic context (GRCh38, chr7:55,143,305, plus strand): 5'-GACCTTGAGTTCTTGAGTTCCTCAAAAGAGAAATCACGCATTTATGTTTTCTCTTCTTAG[A>G]CCATCCAGGAGGTGGCTGGTTATGTCCTCATTGCCCTCAACACAGTGGAGCGAATTCCTT-3'
Protein context (NP_005219.2, residues 71-91): QRNYDLSFLK[Thr81Ala]IQEVAGYVLI